The following is an entry in ClinVar:

ClinVar aggregate classification (germline): Conflicting classifications of pathogenicity. Review status: criteria provided, conflicting classifications (1 of 4 stars). 7 submissions from 7 submitters: Uncertain significance (5); Likely benign (2). Last evaluated 2026-01-28.

Conditions:
DICER1-related disorder. Also called: DICER1-related condition.
Global developmental delay - lung cysts - overgrowth - Wilms tumor syndrome. Also called: GLOBAL DEVELOPMENTAL DELAY, LUNG CYSTS, OVERGROWTH, AND WILMS TUMOR; GLOW Syndrome. Identifiers: Orphanet 404476, MedGen C4748924, MONDO:0018445, OMIM 618272.
DICER1-related tumor predisposition. Also called: DICER1 syndrome; DICER1-related pleuropulmonary blastoma cancer predisposition syndrome. Identifiers: Orphanet 284343, MedGen C3839822, MONDO:0100216.
Hereditary cancer-predisposing syndrome. Also called: Neoplastic Syndromes, Hereditary; Tumor predisposition; Hereditary Cancer Syndrome; Hereditary neoplastic syndrome. Identifiers: Orphanet 140162, MedGen C0027672, MeSH D009386, MONDO:0015356.

Allele frequency attached by ClinVar (database versions not stated): gnomAD 0.00002 and 0.00003; gnomAD exomes 0.00002 and 0.00003; TOPMed 0.00002; ExAC 0.00004.

Submissions (7):

Labcorp Genetics (formerly Invitae), Labcorp
Classification: Likely benign for DICER1-related tumor predisposition. Last evaluated: 2026-01-28. Review status: criteria provided, single submitter. Criteria: Invitae Variant Classification Sherloc (09022015). Collection method: clinical testing. Allele origin: germline.

PreventionGenetics, part of Exact Sciences
Classification: Uncertain significance for DICER1-related condition. Last evaluated: 2025-12-04. Review status: criteria provided, single submitter. Criteria: ACMG Guidelines, 2015. Collection method: clinical testing. Allele origin: germline.
Comment: The DICER1 c.1883A>G variant is predicted to result in the amino acid substitution p.Asn628Ser. To our knowledge, this variant has not been reported in the literature. This variant is reported in 0.039% of alleles in individuals of Ashkenazi Jewish descent in gnomAD, which may be too common to be causative. Although we suspect that this variant may be benign, at this time, the clinical significance of this variant is uncertain due to the absence of conclusive functional and genetic evidence.

Ambry Genetics
Classification: Likely benign for Hereditary cancer-predisposing syndrome. Last evaluated: 2025-03-28. Review status: criteria provided, single submitter. Criteria: Ambry Variant Classification Scheme 2023. Collection method: clinical testing. Allele origin: germline.

GeneDx
Classification: Uncertain significance. Last evaluated: 2025-01-06. Review status: criteria provided, single submitter. Criteria: GeneDx Variant Classification Process June 2021. Collection method: clinical testing. Allele origin: germline.
Comment: In silico analysis indicates that this missense variant does not alter protein structure/function; Observed in an individual undergoing testing for Lynch syndrome (PMID: 38136308); This variant is associated with the following publications: (PMID: 38136308)

Quest Diagnostics Nichols Institute San Juan Capistrano
Classification: Uncertain significance. Last evaluated: 2024-04-14. Review status: criteria provided, single submitter. Criteria: Quest Diagnostics criteria. Collection method: clinical testing. Allele origin: unknown.
Comment: The DICER1 c.1883A>G (p.Asn628Ser) variant has been observed in an individual undergoing genetic testing for Lynch syndrome (PMID: 38136308 (2023)). The frequency of this variant in the general population, 0.00039 (4/10370 chromosomes in Ashkenazi Jewish subpopulation (Genome Aggregation Database)), is higher than would generally be expected for pathogenic variants in this gene. Analysis of this variant using bioinformatics tools for the prediction of the effect of amino acid changes on protein structure and function yielded predictions that this variant is damaging. Based on the available information, we are unable to determine the clinical significance of this variant.

Baylor Genetics
Classification: Uncertain significance for Global developmental delay - lung cysts - overgrowth - Wilms tumor syndrome. Last evaluated: 2023-09-24. Review status: criteria provided, single submitter. Criteria: ACMG Guidelines, 2015. Collection method: clinical testing. Allele origin: unknown.

Sema4
Classification: Uncertain significance for Hereditary cancer-predisposing syndrome. Last evaluated: 2021-04-30. Review status: criteria provided, single submitter. Criteria: Sema4 Curation Guidelines. Collection method: curation. Allele origin: germline.
Comment: To the best of our knowledge, the DICER1 c.1883A>G (p.N628S) variant has not been reported in individuals with DICER1-related disease. It was observed in 5/10152 chromosomes of the Ashkenazi Jewish subpopulation in the large and broad cohorts of the Genome Aggregation Database. The variant has been reported in ClinVar (Variation ID 412172). Computational analyses and evolutionary conservation data do not provide strong support for or against an impact to the protein, however these predictions have not been confirmed by published functional studies. The evidence is insufficient to meet ACMG/AMP criteria for classifying the variant as benign or pathogenic. Thus, the clinical significance of this variant is currently uncertain.

Literature cited by the submitters: PubMed 38136308 (cited by Quest Diagnostics Nichols Institute San Juan Capistrano).

NM_177438.3(DICER1):c.1883A>G (p.Asn628Ser)

Gene: DICER1 (dicer 1, ribonuclease III; minus strand). Cytogenetic location: 14q32.13.
Variant type: single nucleotide variant.
Coding change: c.1883A>G on transcript NM_177438.3 (MANE Select); coding-DNA position 1883, A replaced by G.
Protein change: p.Asn628Ser; replaces asparagine 628 with serine.
Molecular consequence: missense variant.
Genome position (GRCh38, 1-based): chr14:95,115,691, T>C on the plus strand (A>G on the coding strand, the complement: DICER1 is on the minus strand). VCF-style: chr14-95115691-T-C. GRCh37 (hg19) VCF-style: chr14-95582028-T-C.
Other names: c.1883A>G, p.Asn628Ser (NM_001195573.1, NM_001271282.3, NM_001291628.2 and 1 more transcripts); short protein forms N628S.
Identifiers: ClinVar variation 412172 (VCV000412172.22), dbSNP rs756051157, ClinGen allele CA7331379.